The following is an entry in ClinVar:

NM_000252.3(MTM1):c.32C>T (p.Ser11Leu)

Gene: MTM1 (myotubularin 1; plus strand). Cytogenetic location: Xq28.
Variant type: single nucleotide variant.
Coding change: c.32C>T on transcript NM_000252.3 (MANE Select); coding-DNA position 32, C replaced by T.
Protein change: p.Ser11Leu; replaces serine 11 with leucine.
Molecular consequence: missense variant.
Genome position (GRCh38, 1-based): chrX:150,592,646, C>T. VCF-style: chrX-150592646-C-T. GRCh37 (hg19) VCF-style: chrX-149761108-C-T.
Other names: c.32C>T, p.Ser11Leu (NM_001376906.1, NM_001376907.1, NM_001376908.1); short protein forms S11L.
Identifiers: ClinVar variation 2161475 (VCV002161475.1), dbSNP rs782293228, ClinGen allele CA10539019.

ClinVar aggregate classification (germline): Uncertain significance (1 of 4 stars; one submission).

Conditions:
Severe X-linked myotubular myopathy (CNMX). Also called: Myotubular myopathy, X-linked; MYOTUBULAR MYOPATHY 1; X-linked centronuclear myopathy. Identifiers: Orphanet 596, MedGen C0410203, MONDO:0010683, OMIM 310400.

Allele frequency attached by ClinVar (database versions not stated): ExAC 0.00002; gnomAD exomes 0.00001; TOPMed 0.00001.
gnomAD v4.1: 11 of 1,194,502 alleles (0.00092%); highest among the groups gnomAD compares: Middle Eastern, 0.023%; no homozygotes.

Submission:

Labcorp Genetics (formerly Invitae), Labcorp
Classification: Uncertain significance for Severe X-linked myotubular myopathy. Last evaluated: 2022-06-20. Review status: criteria provided, single submitter. Criteria: Invitae Variant Classification Sherloc (09022015). Collection method: clinical testing. Allele origin: germline.
Comment: This sequence change replaces serine, which is neutral and polar, with leucine, which is neutral and non-polar, at codon 11 of the MTM1 protein (p.Ser11Leu). This variant is present in population databases (rs782293228, gnomAD 0.003%), including at least one homozygous and/or hemizygous individual. This variant has not been reported in the literature in individuals affected with MTM1-related conditions. Algorithms developed to predict the effect of missense changes on protein structure and function (SIFT, PolyPhen-2, Align-GVGD) all suggest that this variant is likely to be tolerated. In summary, the available evidence is currently insufficient to determine the role of this variant in disease. Therefore, it has been classified as a Variant of Uncertain Significance.